The following is an entry in ClinVar:

NM_007194.4(CHEK2):c.176C>A (p.Thr59Lys)

Gene: CHEK2 (checkpoint kinase 2; minus strand). Cytogenetic location: 22q12.1.
Variant type: single nucleotide variant.
Coding change: c.176C>A on transcript NM_007194.4 (MANE Select); coding-DNA position 176, C replaced by A.
Protein change: p.Thr59Lys; replaces threonine 59 with lysine.
Molecular consequence: missense variant.
Genome position (GRCh38, 1-based): chr22:28,734,546, G>T on the plus strand (C>A on the coding strand, the complement: CHEK2 is on the minus strand). VCF-style: chr22-28734546-G-T. GRCh37 (hg19) VCF-style: chr22-29130534-G-T.
Other names: c.176C>A, p.Thr59Lys (NM_145862.3, NM_001005735.3, NM_001349956.3); c.-602C>A (NM_001257387.3); short protein forms T59K.
Identifiers: ClinVar variation 142041 (VCV000142041.37), dbSNP rs149991239, ClinGen allele CA167221.

ClinVar aggregate classification (germline): Uncertain significance. Review status: criteria provided, multiple submitters, no conflicts (2 of 4 stars). 13 submissions from 12 submitters: Uncertain significance (13). Last evaluated 2026-01-30.

Conditions:
CHEK2-related disorder.
CHEK2-related cancer predisposition (TPDS4). Also called: TUMOR PREDISPOSITION SYNDROME 4; CANCER PREDISPOSITION SYNDROME, CHEK2-RELATED; CHEK2-related cancer susceptibility. Identifiers: Orphanet 524, MedGen C5882668, MONDO:0700271, OMIM 609265.
Bone osteosarcoma. Also called: Osteosarcoma, somatic. Identifiers: Orphanet 668, MedGen C0585442, MONDO:0002629, OMIM 259500.
Familial prostate cancer. Also called: Hereditary Prostate Cancer. Identifiers: MedGen C2931456, MONDO:0700275, OMIM 176807.
Familial cancer of breast. Also called: BREAST CANCER, FAMILIAL; hereditary breast carcinoma; Hereditary breast cancer. Identifiers: Orphanet 227535, MedGen C0346153, MONDO:0016419, OMIM 114480. Disease mechanism: loss of function.
Prostate cancer. Also called: Malignant tumor of prostate. Identifiers: Orphanet 1331, MedGen C0376358, MONDO:0008315, HP:0012125.
Hereditary cancer-predisposing syndrome. Also called: Neoplastic Syndromes, Hereditary; Hereditary neoplastic syndrome; Hereditary Cancer Syndrome; Tumor predisposition. Identifiers: Orphanet 140162, MedGen C0027672, MeSH D009386, MONDO:0015356.

Allele frequency attached by ClinVar (database versions not stated): ExAC 0.00001; gnomAD 0.00002; gnomAD exomes 0.00002; TOPMed 0.00002; ESP Exome Variant Server 0.00015.

Submissions (13):

PreventionGenetics, part of Exact Sciences
Classification: Uncertain significance for CHEK2-related condition. Last evaluated: 2026-01-30. Review status: criteria provided, single submitter. Criteria: ACMG Guidelines, 2015. Collection method: clinical testing. Allele origin: germline.
Comment: The CHEK2 c.176C>A variant is predicted to result in the amino acid substitution p.Thr59Lys. This variant has been reported in multiple cases of breast, colon, stomach, and ovarian cancer (Ingvarsson et al. 2002. PubMed ID: 12052256; Decker et al. 2017. PubMed ID: 28779002). Functional studies indicate this variant disrupts CHEK2 protein function (Roeb et al. 2012. PubMed ID: 22419737; Stolarova et al. 2023. PubMed ID: 37449874). This variant is reported in 0.0035% of alleles in individuals of European (Non-Finnish) descent in gnomAD and has been interpreted as uncertain in ClinVar database (Variation ID: 142041). At this time, the clinical significance of this variant is uncertain due to the absence of conclusive functional and genetic evidence.

Center for Genomic Medicine, Rigshospitalet, Copenhagen University Hospital
Classification: Uncertain significance. Last evaluated: 2025-12-29. Review status: criteria provided, single submitter. Criteria: ACMG Guidelines, 2015. Collection method: clinical testing. Allele origin: germline.

Women's Health and Genetics/Laboratory Corporation of America, LabCorp
Classification: Uncertain significance. Last evaluated: 2025-02-19. Review status: criteria provided, single submitter. Criteria: LabCorp Variant Classification Summary - May 2015. Collection method: clinical testing. Allele origin: germline.
Comment: Variant summary: CHEK2 c.176C>A (p.Thr59Lys) results in a non-conservative amino acid change in the encoded protein sequence. Five of five in-silico tools predict a damaging effect of the variant on protein function. The variant allele was found at a frequency of 1.6e-05 in 252360 control chromosomes (gnomAD). The available data on variant occurrences in the general population are insufficient to allow any conclusion about variant significance. c.176C>A has been reported in the literature in individuals affected with breast, ovarian or colorectal cancer as well as unaffected controls (Ingvarsson_2002, Dorling_2021, Stolarova_2023). These reports do not provide unequivocal conclusions about association of the variant with Li-Fraumeni Syndrome. Publications report experimental evidence evaluating an impact on protein function, finding either an intermediary or wild type function (Roeb_2012, Stolarova_2023). The following publications have been ascertained in the context of this evaluation (PMID: 12052256, 22419737, 26206375, 33471991, 37449874). ClinVar contains an entry for this variant (Variation ID: 142041). Based on the evidence outlined above, the variant was classified as uncertain significance.

Ambry Genetics
Classification: Uncertain significance for Hereditary cancer-predisposing syndrome. Last evaluated: 2024-09-24. Review status: criteria provided, single submitter. Criteria: Ambry Variant Classification Scheme 2023. Collection method: clinical testing. Allele origin: germline.
Comment: The p.T59K variant (also known as c.176C>A), located in coding exon 1 of the CHEK2 gene, results from a C to A substitution at nucleotide position 176. The threonine at codon 59 is replaced by lysine, an amino acid with similar properties. In a large Icelandic study assessing breast tumors for loss of heterozygosity at the CHEK2 gene locus, this alteration was identified as a germline mutation in 9 individuals with cancer across 5 families, including individuals with breast, colon, ovarian, stomach, gastric, prostate and thyroid cancer. In total, this alteration segregated with cancer in 9 of 11 individuals with cancer across these 5 families. This alteration was absent in six individuals without a history of cancer in one of these families, and it was absent in 452 control subjects. Authors concluded that this may be a low penetrance cancer susceptibility allele (Ingvarsson S et al. Breast Cancer Res. 2002;4:R4). Another research group subsequently developed a yeast-based assay to assess in vivo CHEK2- mediated response to DNA damage and determined that this allele had an intermediate or partial loss of DNA damage response compared to that mediated by wild-type CHEK2 alleles (Roeb W et al. Hum. Mol. Genet. 2012 Jun;21:2738-44). In addition, this alteration has also been reported in at least one subject in a study of 13087 breast cancer cases and 5488 control individuals in the UK (Decker B et al. J. Med. Genet., 2017 11;54:732-741). This amino acid position is highly conserved in available vertebrate species. This alteration is predicted to be deleterious by in silico analysis. Based on the available evidence, the clinical significance of this variant remains unclear.

Color Diagnostics, LLC DBA Color Health
Classification: Uncertain significance for Hereditary cancer-predisposing syndrome. Last evaluated: 2024-08-12. Review status: criteria provided, single submitter. Criteria: ACMG Guidelines, 2015. Collection method: clinical testing. Allele origin: germline.
Comment: This missense variant replaces threonine with lysine at codon 59 of the CHEK2 protein. Computational prediction is inconclusive regarding the impact of this variant on protein structure and function. A yeast-based complementation assay has shown that this variant protein partially impacts DNA damage response compared with wild-type protein (PMID: 22419737). This variant has been reported in individuals affected with breast, colorectal, stomach, and ovarian cancer (PMID: 12052256). This variant has also been identified in 4/251456 chromosomes in the general population by the Genome Aggregation Database (gnomAD). The available evidence is insufficient to determine the role of this variant in disease conclusively. Therefore, this variant is classified as a Variant of Uncertain Significance.

Quest Diagnostics Nichols Institute San Juan Capistrano
Classification: Uncertain significance. Last evaluated: 2024-06-25. Review status: criteria provided, single submitter. Criteria: Quest Diagnostics criteria. Collection method: clinical testing. Allele origin: unknown.
Comment: The CHEK2 c.176C>A (p.Thr59Lys) variant has been reported in the published literature in individuals with breast cancer (PMID: 28779002 (2017), 33471991 (2021), see also LOVD) and in cohort of individuals with breast, colorectal, stomach, or ovarian cancer (PMID: 12052256 (2002)). This variant has also been identified in reportedly healthy individuals (PMID: 28779002 (2017), 33471991 (2021), see also LOVD). A yeast based functional study reported that this variant displays an intermediate response to DNA damage (PMID: 22419737 (2012)). The frequency of this variant in the general population, 0.000035 (4/113734 chromosomes (Genome Aggregation Database)), is uninformative in the assessment of its pathogenicity. Analysis of this variant using bioinformatics tools for the prediction of the effect of amino acid changes on protein structure and function yielded predictions that this variant is damaging. Based on the available information, we are unable to determine the clinical significance of this variant.

Fulgent Genetics
Classification: Uncertain significance for Familial prostate cancer; Bone osteosarcoma; CHEK2-related cancer predisposition. Last evaluated: 2024-05-13. Review status: criteria provided, single submitter. Criteria: ACMG Guidelines, 2015. Collection method: clinical testing. Allele origin: germline.

Mayo Clinic Laboratories, Mayo Clinic
Classification: Uncertain significance. Last evaluated: 2024-05-02. Review status: criteria provided, single submitter. Criteria: ACMG Guidelines, 2015. Collection method: clinical testing. Allele origin: germline. Observed: 1 variant allele.
Comment: PM2

GeneDx
Classification: Uncertain significance. Last evaluated: 2023-11-14. Review status: criteria provided, single submitter. Criteria: GeneDx Variant Classification Process June 2021. Collection method: clinical testing. Allele origin: germline. Affected: yes.
Comment: Not observed at significant frequency in large population cohorts (gnomAD); In silico analysis supports that this missense variant has a deleterious effect on protein structure/function; Published functional study demonstrates reduction of DNA damage repair (PMID: 22419737); Observed in individuals with breast, colon, stomach, or ovarian cancer (PMID: 12052256); This variant is associated with the following publications: (PMID: 15492928, 12610780, 23296741, 15385111, 16551709, 26506619, 16078115, 21807500, 15122511, 25467110, 18004398, 22058428, 21876083, 11719428, 28492532, 26206375, 14569133, 14568168, 16080966, 22114986, 11733767, 22419737, 12052256)

Baylor Genetics
Classification: Uncertain significance for Familial cancer of breast. Last evaluated: 2023-11-06. Review status: criteria provided, single submitter. Criteria: ACMG Guidelines, 2015. Collection method: clinical testing. Allele origin: unknown.

Labcorp Genetics (formerly Invitae), Labcorp
Classification: Uncertain significance for Familial cancer of breast. Last evaluated: 2022-10-26. Review status: criteria provided, single submitter. Criteria: Invitae Variant Classification Sherloc (09022015). Collection method: clinical testing. Allele origin: germline.
Comment: This sequence change replaces threonine, which is neutral and polar, with lysine, which is basic and polar, at codon 59 of the CHEK2 protein (p.Thr59Lys). This variant is present in population databases (rs149991239, gnomAD 0.004%). This missense change has been observed in individual(s) with breast, ovarian and colorectal cancer (PMID: 12052256). ClinVar contains an entry for this variant (Variation ID: 142041). Algorithms developed to predict the effect of missense changes on protein structure and function (SIFT, PolyPhen-2, Align-GVGD) all suggest that this variant is likely to be disruptive. Experimental studies have shown that this missense change affects CHEK2 function (PMID: 22419737). In summary, the available evidence is currently insufficient to determine the role of this variant in disease. Therefore, it has been classified as a Variant of Uncertain Significance.

Department of Pathology and Laboratory Medicine, Sinai Health System
Classification: Uncertain significance for Familial prostate cancer. Last evaluated: 2022-07-29. Review status: criteria provided, single submitter. Criteria: ACMG Guidelines, 2015. Collection method: clinical testing. Allele origin: germline. Affected: yes.

Fulgent Genetics
Classification: Uncertain significance for Familial cancer of breast; Familial prostate cancer; Bone osteosarcoma; CHEK2-related cancer predisposition. Last evaluated: 2018-10-31. Review status: criteria provided, single submitter. Criteria: ACMG Guidelines, 2015. Collection method: clinical testing. Allele origin: unknown.

Literature cited by the submitters: PubMed 12052256 (cited by 6 submitters); PubMed 22419737 (cited by 6 submitters); PubMed 26206375 (cited by Women's Health and Genetics/Laboratory Corporation of America, LabCorp); PubMed 33471991 (cited by Women's Health and Genetics/Laboratory Corporation of America, LabCorp and Quest Diagnostics Nichols Institute San Juan Capistrano); PubMed 37449874 (cited by Women's Health and Genetics/Laboratory Corporation of America, LabCorp); PubMed 28779002 (cited by 4 submitters); PubMed 12610780 (cited by Quest Diagnostics Nichols Institute San Juan Capistrano); PubMed 14568168 (cited by Quest Diagnostics Nichols Institute San Juan Capistrano); PubMed 16080966 (cited by Quest Diagnostics Nichols Institute San Juan Capistrano); PubMed 15385111 (cited by Quest Diagnostics Nichols Institute San Juan Capistrano).